The following is an entry in ClinVar:

NM_018344.6(SLC29A3):c.112C>T (p.Arg38Cys)

Gene: SLC29A3 (solute carrier family 29 member 3; plus strand). Cytogenetic location: 10q22.1.
Variant type: single nucleotide variant.
Coding change: c.112C>T on transcript NM_018344.6 (MANE Select); coding-DNA position 112, C replaced by T.
Protein change: p.Arg38Cys; replaces arginine 38 with cysteine.
Molecular consequence: missense variant. On other transcripts: 5 prime UTR variant (1), non-coding transcript variant (2).
Genome position (GRCh38, 1-based): chr10:71,322,866, C>T. VCF-style: chr10-71322866-C-T. GRCh37 (hg19) VCF-style: chr10-73082623-C-T.
Other names: c.112C>T, p.Arg38Cys (NM_001174098.2); c.-123C>T (NM_001363518.2); c.112C>T (NM_018344.5); short protein forms R38C.
Identifiers: ClinVar variation 1025650 (VCV001025650.6), dbSNP rs143154754, ClinGen allele CA5542818.

ClinVar aggregate classification (germline): Uncertain significance. Review status: criteria provided, multiple submitters, no conflicts (2 of 4 stars). 2 submissions from 2 submitters: Uncertain significance (2). Last evaluated 2023-12-27.

Conditions:
H syndrome. Also called: Pigmented hypertrichosis and insulin-dependent diabetes mellitus; Histiocytosis with joint contractures and sensorineural deafness; Asrar Facharzt Haque syndrome; HISTIOCYTOSIS AND LYMPHADENOPATHY WITH OR WITHOUT CUTANEOUS, CARDIAC, AND/OR ENDOCRINE FEATURES, JOINT CONTRACTURES, AND/OR DEAFNESS; HYPERPIGMENTATION, CUTANEOUS, WITH HYPERTRICHOSIS, HEPATOSPLENOMEGALY, HEART ANOMALIES, AND HYPOGONADISM WITH OR WITHOUT HEARING LOSS; PIGMENTED HYPERTRICHOSIS WITH INSULIN-DEPENDENT DIABETES MELLITUS. Identifiers: Orphanet 168569, MedGen C1864445, MONDO:0011273, OMIM 602782.
Inborn genetic diseases. Identifiers: MedGen C0950123, MeSH D030342.

Allele frequency attached by ClinVar (database versions not stated): gnomAD exomes 0.00001 and 0.00002; ExAC 0.00002; gnomAD 0.00004 and 0.00005; TOPMed 0.00008; ESP Exome Variant Server 0.00015.

Submissions (2):

Ambry Genetics
Classification: Uncertain significance for Inborn genetic diseases. Last evaluated: 2023-12-27. Review status: criteria provided, single submitter. Criteria: Ambry Variant Classification Scheme 2023. Collection method: clinical testing. Allele origin: germline.

Labcorp Genetics (formerly Invitae), Labcorp
Classification: Uncertain significance for H syndrome. Last evaluated: 2022-08-10. Review status: criteria provided, single submitter. Criteria: Invitae Variant Classification Sherloc (09022015). Collection method: clinical testing. Allele origin: germline.
Comment: This sequence change replaces arginine, which is basic and polar, with cysteine, which is neutral and slightly polar, at codon 38 of the SLC29A3 protein (p.Arg38Cys). This variant is present in population databases (rs143154754, gnomAD 0.006%). This variant has not been reported in the literature in individuals affected with SLC29A3-related conditions. ClinVar contains an entry for this variant (Variation ID: 1025650). Algorithms developed to predict the effect of missense changes on protein structure and function (SIFT, PolyPhen-2, Align-GVGD) all suggest that this variant is likely to be tolerated. In summary, the available evidence is currently insufficient to determine the role of this variant in disease. Therefore, it has been classified as a Variant of Uncertain Significance.